The following is an entry in ClinVar:

NM_000313.4(PROS1):c.344_346+7del

Gene: PROS1 (protein S; minus strand). Cytogenetic location: 3q11.1.
Variant type: Deletion.
Coding change: c.344_346+7del on transcript NM_000313.4 (MANE Select); coding-DNA position 344 through 7 bases into the intron after coding-DNA position 346, 10 bases deleted (ATGGTAAGCA; older notation c.344_346+7delATGGTAAGCA).
Molecular consequence: splice donor variant.
Genome position (GRCh38, 1-based): chr3:93,910,612-93,910,621, TGCTTACCAT deleted on the plus strand (ATGGTAAGCA on the coding strand, the reverse complement: PROS1 is on the minus strand); deleting any 10 consecutive bases within chr3:93,910,612-93,910,623 gives the same sequence; the c. name uses the placement nearest the transcript's 3' end. VCF-style (leftmost placement, unchanged base first): chr3-93910611-GTGCTTACCAT-G. GRCh37 (hg19) VCF-style: chr3-93629455-GTGCTTACCAT-G.
Other names: c.440_442+7del (NM_001314077.2).
Identifiers: ClinVar variation 2890390 (VCV002890390.3), dbSNP rs1310240075, ClinGen allele CA912659322.

ClinVar aggregate classification (germline): Likely pathogenic (1 of 4 stars; one submission).

Conditions:
Thrombophilia due to protein S deficiency, autosomal recessive (THPH6). Identifiers: Orphanet 743, MedGen C3281092, MONDO:0013791, OMIM 614514. Disease mechanism: loss of function.

Submission:

Labcorp Genetics (formerly Invitae), Labcorp
Classification: Likely pathogenic for Thrombophilia due to protein S deficiency, autosomal recessive. Last evaluated: 2024-06-22. Review status: criteria provided, single submitter. Criteria: Invitae Variant Classification Sherloc (09022015). Collection method: clinical testing. Allele origin: germline.
Comment: This variant results in the deletion of part of exon 4 (c.344_346+7del) of the PROS1 gene. It is expected to disrupt RNA splicing. Variants that disrupt the donor or acceptor splice site typically lead to a loss of protein function (PMID: 16199547), and loss-of-function variants in PROS1 are known to be pathogenic (PMID: 9241758). This variant is not present in population databases (gnomAD no frequency). This variant has not been reported in the literature in individuals affected with PROS1-related conditions. In summary, the currently available evidence indicates that the variant is pathogenic, but additional data are needed to prove that conclusively. Therefore, this variant has been classified as Likely Pathogenic.

Literature cited by the submitters: PubMed 16199547; PubMed 9241758.